The following is an entry in ClinVar:

NM_017780.4(CHD7):c.6349C>G (p.Leu2117Val)

Gene: CHD7 (chromodomain helicase DNA binding protein 7; plus strand). Cytogenetic location: 8q12.2.
Variant type: single nucleotide variant.
Coding change: c.6349C>G on transcript NM_017780.4 (MANE Select); coding-DNA position 6349, C replaced by G.
Protein change: p.Leu2117Val; replaces leucine 2117 with valine.
Molecular consequence: missense variant. On other transcripts: intron variant (1).
Genome position (GRCh38, 1-based): chr8:60,853,074, C>G. VCF-style: chr8-60853074-C-G. GRCh37 (hg19) VCF-style: chr8-61765633-C-G.
Other names: c.1717-9155C>G (NM_001316690.1); short protein forms L2117V.
Identifiers: ClinVar variation 2917865 (VCV002917865.3), dbSNP rs367733295, ClinGen allele CA371324866.

ClinVar aggregate classification (germline): Uncertain significance (1 of 4 stars; one submission).

Conditions:
CHARGE syndrome (CHARGE). Also called: Hittner Hirsch Kreh syndrome; CHARGE ASSOCIATION--COLOBOMA, HEART ANOMALY, CHOANAL ATRESIA, RETARDATION, GENITAL AND EAR ANOMALIES; Coloboma, heart anomaly, choanal atresia, retardation, genital and ear anomalies; CHARGE association; Hall-Hittner syndrome. Identifiers: Orphanet 138, MedGen C0265354, MONDO:0008965.

Submission:

Labcorp Genetics (formerly Invitae), Labcorp
Classification: Uncertain significance for CHARGE syndrome. Last evaluated: 2023-02-18. Review status: criteria provided, single submitter. Criteria: Invitae Variant Classification Sherloc (09022015). Collection method: clinical testing. Allele origin: germline.
Comment: This sequence change replaces leucine, which is neutral and non-polar, with valine, which is neutral and non-polar, at codon 2117 of the CHD7 protein (p.Leu2117Val). In summary, the available evidence is currently insufficient to determine the role of this variant in disease. Therefore, it has been classified as a Variant of Uncertain Significance. Advanced modeling of protein sequence and biophysical properties (such as structural, functional, and spatial information, amino acid conservation, physicochemical variation, residue mobility, and thermodynamic stability) performed at Invitae indicates that this missense variant is not expected to disrupt CHD7 protein function. This variant has not been reported in the literature in individuals affected with CHD7-related conditions. This variant is not present in population databases (gnomAD no frequency).